The following is an entry in ClinVar:

NM_015450.3(POT1):c.89A>G (p.Lys30Arg)

Gene: POT1 (protection of telomeres 1; minus strand). Cytogenetic location: 7q31.33.
Variant type: single nucleotide variant.
Coding change: c.89A>G on transcript NM_015450.3 (MANE Select); coding-DNA position 89, A replaced by G.
Protein change: p.Lys30Arg; replaces lysine 30 with arginine.
Molecular consequence: missense variant. On other transcripts: 5 prime UTR variant (1), non-coding transcript variant (3).
Genome position (GRCh38, 1-based): chr7:124,892,301, T>C on the plus strand (A>G on the coding strand, the complement: POT1 is on the minus strand). VCF-style: chr7-124892301-T-C. GRCh37 (hg19) VCF-style: chr7-124532355-T-C.
Other names: c.-174A>G (NM_001042594.2); c.89A>G (NM_015450.2); short protein forms K30R.
Identifiers: ClinVar variation 2864313 (VCV002864313.4), dbSNP rs2485562611, ClinGen allele CA369066092.

ClinVar aggregate classification (germline): Uncertain significance. Review status: criteria provided, multiple submitters, no conflicts (2 of 4 stars). 2 submissions from 2 submitters: Uncertain significance (2). Last evaluated 2025-04-28.

Conditions:
Hereditary cancer-predisposing syndrome. Also called: Tumor predisposition; Hereditary neoplastic syndrome; Hereditary Cancer Syndrome; Neoplastic Syndromes, Hereditary. Identifiers: Orphanet 140162, MedGen C0027672, MeSH D009386, MONDO:0015356.
Tumor predisposition syndrome 3 (TPDS3). Also called: LONG TELOMERE SYNDROME, POT1-RELATED; POT1 Tumor Predisposition; Melanoma, cutaneous malignant, susceptibility to, 10; Glioma susceptibility 9. Identifiers: Orphanet 618, MedGen C4014476, MONDO:0014368, OMIM 615848.

Submissions (2):

Ambry Genetics
Classification: Uncertain significance for Hereditary cancer-predisposing syndrome. Last evaluated: 2025-04-28. Review status: criteria provided, single submitter. Criteria: Ambry Variant Classification Scheme 2023. Collection method: clinical testing. Allele origin: germline.
Comment: The p.K30R variant (also known as c.89A>G), located in coding exon 2 of the POT1 gene, results from an A to G substitution at nucleotide position 89. The lysine at codon 30 is replaced by arginine, an amino acid with highly similar properties. This amino acid position is conserved. In addition, this alteration is predicted to be tolerated by in silico analysis. Based on the available evidence, the clinical significance of this variant remains unclear.

Labcorp Genetics (formerly Invitae), Labcorp
Classification: Uncertain significance for Tumor predisposition syndrome 3. Last evaluated: 2023-05-15. Review status: criteria provided, single submitter. Criteria: Invitae Variant Classification Sherloc (09022015). Collection method: clinical testing. Allele origin: germline.
Comment: This variant is not present in population databases (gnomAD no frequency). This variant has not been reported in the literature in individuals affected with POT1-related conditions. Advanced modeling of protein sequence and biophysical properties (such as structural, functional, and spatial information, amino acid conservation, physicochemical variation, residue mobility, and thermodynamic stability) performed at Invitae indicates that this missense variant is not expected to disrupt POT1 protein function. In summary, the available evidence is currently insufficient to determine the role of this variant in disease. Therefore, it has been classified as a Variant of Uncertain Significance. This sequence change replaces lysine, which is basic and polar, with arginine, which is basic and polar, at codon 30 of the POT1 protein (p.Lys30Arg).